The following is an entry in ClinVar:

ClinVar aggregate classification (germline): Uncertain significance (1 of 4 stars; one submission).

Conditions:
Primary ciliary dyskinesia. Also called: Ciliary dyskinesia. Identifiers: Orphanet 244, MedGen C0008780, MONDO:0016575, HP:0012265.

Submission:

Ambry Genetics
Classification: Uncertain significance for Primary ciliary dyskinesia. Last evaluated: 2022-09-05. Review status: criteria provided, single submitter. Criteria: Ambry Variant Classification Scheme 2023. Collection method: clinical testing. Allele origin: germline.
Comment: The p.G3472R variant (also known as c.10414G>A), located in coding exon 64 of the DNAH11 gene, results from a G to A substitution at nucleotide position 10414. The glycine at codon 3472 is replaced by arginine, an amino acid with dissimilar properties. This amino acid position is conserved. In addition, the in silico prediction for this alteration is inconclusive. Since supporting evidence is limited at this time, the clinical significance of this alteration remains unclear.

NM_001277115.2(DNAH11):c.10414G>A (p.Gly3472Arg)

Gene: DNAH11 (dynein axonemal heavy chain 11; plus strand). Cytogenetic location: 7p15.3.
Variant type: single nucleotide variant.
Coding change: c.10414G>A on transcript NM_001277115.2 (MANE Select); coding-DNA position 10414, G replaced by A.
Protein change: p.Gly3472Arg; replaces glycine 3472 with arginine.
Molecular consequence: missense variant.
Genome position (GRCh38, 1-based): chr7:21,816,548, G>A. VCF-style: chr7-21816548-G-A. GRCh37 (hg19) VCF-style: chr7-21856166-G-A.
Other names: c.10435G>A, p.Gly3479Arg (NM_003777.3); short protein forms G3472R, G3479R.
Identifiers: ClinVar variation 1774094 (VCV001774094.2), dbSNP rs1169795797, ClinGen allele CA366948380.